The following is an entry in ClinVar:

ClinVar aggregate classification (germline): Benign/Likely benign. Review status: criteria provided, multiple submitters, no conflicts (2 of 4 stars). 4 submissions from 4 submitters: Benign (1); Likely benign (2). 1 of the submissions does not count toward it. Last evaluated 2025-03-03.

Conditions:
TENM4-related disorder. Also called: TENM4-related condition.

Allele frequency attached by ClinVar (database versions not stated): gnomAD exomes 0.00015 and 0.00037; ExAC 0.00041; gnomAD 0.00113 and 0.00120; ESP Exome Variant Server 0.00118; TOPMed 0.00123; 1000 Genomes Project 0.00140; 1000 Genomes Project 30x 0.00141.
gnomAD v4.1: 393 of 1,613,980 alleles (0.024%); highest among the groups gnomAD compares: African/African-American, 0.35%; 1 homozygote.

Submissions (4):

Mayo Clinic Laboratories, Mayo Clinic
Classification: Likely benign. Last evaluated: 2025-03-03. Review status: criteria provided, single submitter. Criteria: ACMG Guidelines, 2015. Collection method: clinical testing. Allele origin: germline. Observed: 1 variant allele.
Comment: BP4, BP7

Blueprint Genetics
Classification: Likely benign. Last evaluated: 2024-11-01. Review status: criteria provided, single submitter. Criteria: ACMG Guidelines, 2015. Collection method: clinical testing. Allele origin: germline.

Labcorp Genetics (formerly Invitae), Labcorp
Classification: Benign. Last evaluated: 2018-05-16. Review status: criteria provided, single submitter. Criteria: Invitae Variant Classification Sherloc (09022015). Collection method: clinical testing. Allele origin: germline.

PreventionGenetics, part of Exact Sciences
Classification: Likely benign for TENM4-related condition. Last evaluated: 2023-12-01. Review status: no assertion criteria provided. Collection method: clinical testing. Allele origin: germline. Not counted in ClinVar's aggregate classification.
Comment: This variant is classified as likely benign based on ACMG/AMP sequence variant interpretation guidelines (Richards et al. 2015 PMID: 25741868, with internal and published modifications).

NM_001098816.3(TENM4):c.4659C>T (p.Ala1553=)

Gene: TENM4 (teneurin transmembrane protein 4; minus strand). Cytogenetic location: 11q14.1.
Variant type: single nucleotide variant.
Coding change: c.4659C>T on transcript NM_001098816.3 (MANE Select); coding-DNA position 4659, C replaced by T.
Protein change: p.Ala1553=; no amino-acid change (alanine 1553 retained).
Molecular consequence: synonymous variant.
Genome position (GRCh38, 1-based): chr11:78,701,954, G>A on the plus strand (C>T on the coding strand, the complement: TENM4 is on the minus strand). VCF-style: chr11-78701954-G-A. GRCh37 (hg19) VCF-style: chr11-78412999-G-A.
Other names: p.Ala1553=.
Identifiers: ClinVar variation 734958 (VCV000734958.7), dbSNP rs200575170, ClinGen allele CA6206766.
Genomic context (GRCh38, chr11:78,701,954, plus strand): 5'-CTGGGTGTTGAGGAAAGGCTTGTTCTTCCGGATAAACCGAATTCGGATGTTCCCAAGGTC[G>A]GCCACGTAGAGCTCCCCATCAGCACACACAGCCAAGGAAGATGGGGTATTTAACTTTGCA-3'
Protein context (NP_001092286.2, residues 1543-1563): AVCADGELYV[Ala1553=]DLGNIRIRFI